The following is an entry in ClinVar:

ClinVar aggregate classification (germline): Uncertain significance (1 of 4 stars; one submission).

Conditions:
Lynch syndrome. Identifiers: Orphanet 144, MedGen C4552100, MONDO:0005835. Disease mechanism: loss of function.

Submission:

All of Us Research Program, National Institutes of Health
Classification: Uncertain significance for Lynch syndrome. Last evaluated: 2023-08-28. Review status: criteria provided, single submitter. Criteria: ACMG Guidelines, 2015. Collection method: clinical testing. Allele origin: germline. Inheritance: Autosomal dominant inheritance. Observed: 1 variant allele, 1 heterozygote.
Comment: This missense variant replaces glycine with arginine at codon 32 of the MSH6 protein. Computational prediction suggests that this variant may not impact protein structure and function (internally defined REVEL score threshold <= 0.5, PMID: 27666373). To our knowledge, functional studies have not been reported for this variant. This variant has not been reported in individuals affected with MSH6-related disorders in the literature. This variant has not been identified in the general population by the Genome Aggregation Database (gnomAD). The available evidence is insufficient to determine the role of this variant in disease conclusively. Therefore, this variant is classified as a Variant of Uncertain Significance.

This study involves interpretation of variants in research participants for the purpose of population health screening. Participant phenotype was not available at the time of variant classification. Additional details can be found in publication PMID: 35346344, PMCID: PMC8962531

NM_000179.3(MSH6):c.94G>C (p.Gly32Arg)

Gene: MSH6 (mutS homolog 6; plus strand). Cytogenetic location: 2p16.3.
Variant type: single nucleotide variant.
Coding change: c.94G>C on transcript NM_000179.3 (MANE Select); coding-DNA position 94, G replaced by C.
Protein change: p.Gly32Arg; replaces glycine 32 with arginine.
Molecular consequence: missense variant. On other transcripts: 5 prime UTR variant (7), synonymous variant (1), non-coding transcript variant (5), intron variant (5).
Genome position (GRCh38, 1-based): chr2:47,783,327, G>C. VCF-style: chr2-47783327-G-C. GRCh37 (hg19) VCF-style: chr2-48010466-G-C.
Other names: c.94G>C, p.Gly32Arg (NM_001281492.2, NM_001406795.1, NM_001406796.1 and 9 more transcripts); c.-643G>C (NM_001281493.2, NM_001406811.1); c.-235G>C (NM_001406799.1); c.39G>C, p.Ala13= (NM_001406804.1); c.-835G>C (NM_001406807.1); c.-490G>C (NM_001406812.1); c.-901G>C (NM_001406814.1); c.-446G>C (NM_001406816.1); and 3 more; short protein forms G32R.
Identifiers: ClinVar variation 3073211 (VCV003073211.1), dbSNP rs776859837, ClinGen allele CA346734826.